The following is an entry in ClinVar:

ClinVar aggregate classification (germline): Likely benign (1 of 4 stars; one submission).

Allele frequency attached by ClinVar (database versions not stated): 1000 Genomes Project 30x 0.00031; 1000 Genomes Project 0.00040; TOPMed 0.00135; gnomAD 0.00139; ExAC 0.00153; ESP Exome Variant Server 0.00208; gnomAD exomes 0.00252.

Submission:

CeGaT Center for Human Genetics Tuebingen
Classification: Likely benign. Last evaluated: 2024-07-01. Review status: criteria provided, single submitter. Criteria: CeGaT Center For Human Genetics Tuebingen Variant Classification Criteria Version 2. Collection method: clinical testing. Allele origin: germline. Affected: yes. Observed: 2 variant alleles.
Comment: GPR142: BP4, BP7

NM_001331076.1(GPR142):c.588T>C (p.Ser196=)

Gene: GPR142 (G protein-coupled receptor 142; plus strand). Cytogenetic location: 17q25.1.
Variant type: single nucleotide variant.
Coding change: c.588T>C on transcript NM_001331076.1 (MANE Select); coding-DNA position 588, T replaced by C.
Protein change: p.Ser196=; no amino-acid change (serine 196 retained).
Molecular consequence: synonymous variant.
Genome position (GRCh38, 1-based): chr17:74,372,063, T>C. VCF-style: chr17-74372063-T-C. GRCh37 (hg19) VCF-style: chr17-72368202-T-C.
Other names: c.588T>C, p.Ser196= (NM_001331077.1); c.852T>C, p.Ser284= (NM_181790.1).
Identifiers: ClinVar variation 2648220 (VCV002648220.24), dbSNP rs140870134, ClinGen allele CA8747610.